The following is an entry in ClinVar:

NM_001098.3(ACO2):c.1534_1537del (p.Asp512fs)

Gene: ACO2 (aconitase 2; plus strand). Cytogenetic location: 22q13.2.
Variant type: Deletion.
Coding change: c.1534_1537del on transcript NM_001098.3 (MANE Select); coding-DNA positions 1534 to 1537, 4 bases deleted (GACT; older notation c.1534_1537delGACT).
Protein change: p.Asp512fs; shifts the reading frame from aspartic acid 512.
Molecular consequence: frameshift variant.
Genome position (GRCh38, 1-based): chr22:41,524,897-41,524,900, GACT deleted. VCF-style (leftmost placement, unchanged base first): chr22-41524896-CGACT-C. GRCh37 (hg19) VCF-style: chr22-41920900-CGACT-C.
Other names: short protein forms D512fs.
Identifiers: ClinVar variation 1391740 (VCV001391740.6), dbSNP rs2146139092, ClinGen allele CA2573158218.

ClinVar aggregate classification (germline): Pathogenic (1 of 4 stars; one submission).

Submission:

Labcorp Genetics (formerly Invitae), Labcorp
Classification: Pathogenic. Last evaluated: 2022-07-06. Review status: criteria provided, single submitter. Criteria: Invitae Variant Classification Sherloc (09022015). Collection method: clinical testing. Allele origin: germline.
Comment: ClinVar contains an entry for this variant (Variation ID: 1391740). This variant has not been reported in the literature in individuals affected with ACO2-related conditions. This variant is not present in population databases (gnomAD no frequency). This sequence change creates a premature translational stop signal (p.Asp512Thrfs*2) in the ACO2 gene. It is expected to result in an absent or disrupted protein product. Loss-of-function variants in ACO2 are known to be pathogenic (PMID: 30689204, 32519519). For these reasons, this variant has been classified as Pathogenic.

Literature cited by the submitters: PubMed 30689204; PubMed 32519519.